The following is an entry in ClinVar:

NM_182961.4(SYNE1):c.4313T>A (p.Ile1438Asn)

Gene: SYNE1 (spectrin repeat containing nuclear envelope protein 1; minus strand). Cytogenetic location: 6q25.2.
Variant type: single nucleotide variant.
Coding change: c.4313T>A on transcript NM_182961.4 (MANE Select); coding-DNA position 4313, T replaced by A.
Protein change: p.Ile1438Asn; replaces isoleucine 1438 with asparagine.
Molecular consequence: missense variant.
Genome position (GRCh38, 1-based): chr6:152,433,943, A>T on the plus strand (T>A on the coding strand, the complement: SYNE1 is on the minus strand). VCF-style: chr6-152433943-A-T. GRCh37 (hg19) VCF-style: chr6-152755078-A-T.
Other names: c.4334T>A, p.Ile1445Asn (NM_033071.5); short protein forms I1445N, I1438N.
Identifiers: ClinVar variation 289777 (VCV000289777.12), dbSNP rs886044260, ClinGen allele CA10606543.

ClinVar aggregate classification (germline): Uncertain significance. Review status: criteria provided, multiple submitters, no conflicts (2 of 4 stars). 2 submissions from 2 submitters: Uncertain significance (2). Last evaluated 2021-08-17.

Conditions:
Autosomal recessive ataxia, Beauce type. Also called: Spinocerebellar ataxia, autosomal recessive 8; ATAXIA, RECESSIVE, OF BEAUCE; SYNE1 Deficiency; SYNE1-Related Autosomal Recessive Cerebellar Ataxia. Identifiers: Orphanet 88644, MedGen C1853116, MONDO:0012549, OMIM 610743.
Emery-Dreifuss muscular dystrophy 4, autosomal dominant (EDMD4). Also called: EMERY-DREIFUSS MUSCULAR DYSTROPHY 4 WITH VARIABLE FEATURES. Identifiers: Orphanet 261, MedGen C2751807, MONDO:0013071, OMIM 612998.

gnomAD v4.1: 1 of 1,612,242 alleles (0.000062%); no homozygotes.

Submissions (2):

Labcorp Genetics (formerly Invitae), Labcorp
Classification: Uncertain significance for Emery-Dreifuss muscular dystrophy 4, autosomal dominant; Autosomal recessive ataxia, Beauce type. Last evaluated: 2021-08-17. Review status: criteria provided, single submitter. Criteria: Invitae Variant Classification Sherloc (09022015). Collection method: clinical testing. Allele origin: germline.
Comment: In summary, the available evidence is currently insufficient to determine the role of this variant in disease. Therefore, it has been classified as a Variant of Uncertain Significance. Algorithms developed to predict the effect of missense changes on protein structure and function are either unavailable or do not agree on the potential impact of this missense change (SIFT: "Deleterious"; PolyPhen-2: "Possibly Damaging"; Align-GVGD: "Class C0"). This sequence change replaces isoleucine with asparagine at codon 1445 of the SYNE1 protein (p.Ile1445Asn). The isoleucine residue is highly conserved and there is a large physicochemical difference between isoleucine and asparagine. This variant is not present in population databases (ExAC no frequency). This variant has not been reported in the literature in individuals with SYNE1-related conditions. ClinVar contains an entry for this variant (Variation ID: 289777).

Eurofins Ntd Llc (ga)
Classification: Uncertain significance. Last evaluated: 2016-08-29. Review status: criteria provided, single submitter. Criteria: EGL Classification Definitions 2015. Collection method: clinical testing. Allele origin: germline. Observed: 1 variant allele, 1 heterozygote.